The following is an entry in ClinVar:

NM_018055.5(NODAL):c.963G>A (p.Leu321=)

Gene: NODAL (nodal growth differentiation factor; minus strand). Cytogenetic location: 10q22.1.
Variant type: single nucleotide variant.
Coding change: c.963G>A on transcript NM_018055.5 (MANE Select); coding-DNA position 963, G replaced by A.
Protein change: p.Leu321=; no amino-acid change (leucine 321 retained).
Molecular consequence: synonymous variant.
Genome position (GRCh38, 1-based): chr10:70,433,017, C>T on the plus strand (G>A on the coding strand, the complement: NODAL is on the minus strand). VCF-style: chr10-70433017-C-T. GRCh37 (hg19) VCF-style: chr10-72192773-C-T.
Other names: c.564G>A, p.Leu188= (NM_001329906.2).
Identifiers: ClinVar variation 300299 (VCV000300299.7), dbSNP rs772060498, ClinGen allele CA5537490.

ClinVar aggregate classification (germline): Likely benign. Review status: criteria provided, single submitter (1 of 4 stars). 3 submissions from 2 submitters: Likely benign (2). 1 of the submissions does not count toward it. Last evaluated 2018-01-12.

Conditions:
Heterotaxy, visceral, 5, autosomal (HTX5). Also called: Heterotaxy, visceral, 5. Identifiers: Orphanet 450, MedGen C3495537, MONDO:0700112, OMIM 270100.
NODAL-related disorder. Also called: NODAL-related disorders; NODAL-related condition. Identifiers: MedGen CN239298.
Holoprosencephaly sequence (HPE). Also called: Holoprosencephaly. Identifiers: Orphanet 2162, MedGen C0079541, MONDO:0016296, HP:0001360.

Allele frequency attached by ClinVar (database versions not stated): TOPMed below 0.00001; gnomAD 0.00001; gnomAD exomes 0.00001 and 0.00006; ExAC 0.00005.
gnomAD v4.1: 12 of 1,613,956 alleles (0.00074%); highest among the groups gnomAD compares: East Asian, 0.027%; no homozygotes.

Submissions (3):

Illumina Laboratory Services, Illumina
Classification: Likely benign for Heterotaxy, visceral, 5, autosomal. Last evaluated: 2018-01-12. Review status: criteria provided, single submitter. Criteria: ICSL Variant Classification Criteria 13 December 2019. Collection method: clinical testing. Allele origin: germline.
Comment: This variant was observed in the ICSL laboratory as part of a predisposition screen in an ostensibly healthy population. It had not been previously curated by ICSL or reported in the Human Gene Mutation Database (HGMD: prior to June 1st, 2018), and was therefore a candidate for classification through an automated scoring system. Utilizing variant allele frequency, disease prevalence and penetrance estimates, and inheritance mode, an automated score was calculated to assess if this variant is too frequent to cause the disease. Based on the score and internal cut-off values, a variant classified as likely benign is not then subjected to further curation. The score for this variant resulted in a classification of likely benign for this disease.

Illumina Laboratory Services, Illumina
Classification: Likely benign for Holoprosencephaly sequence. Last evaluated: 2018-01-12. Review status: criteria provided, single submitter. Criteria: ICSL Variant Classification Criteria 13 December 2019. Collection method: clinical testing. Allele origin: germline.
Comment: the same text as in the submission from Illumina Laboratory Services, Illumina above.

PreventionGenetics, part of Exact Sciences
Classification: Likely benign for NODAL-related condition. Last evaluated: 2023-04-12. Review status: no assertion criteria provided. Collection method: clinical testing. Allele origin: germline. Not counted in ClinVar's aggregate classification.
Comment: This variant is classified as likely benign based on ACMG/AMP sequence variant interpretation guidelines (Richards et al. 2015 PMID: 25741868, with internal and published modifications).